The following is an entry in ClinVar:

ClinVar aggregate classification (germline): Uncertain significance (1 of 4 stars; one submission).

Conditions:
DICER1-related tumor predisposition. Also called: DICER1 syndrome; DICER1-related pleuropulmonary blastoma cancer predisposition syndrome. Identifiers: Orphanet 284343, MedGen C3839822, MONDO:0100216.

Submission:

Labcorp Genetics (formerly Invitae), Labcorp
Classification: Uncertain significance for DICER1-related tumor predisposition. Last evaluated: 2024-03-14. Review status: criteria provided, single submitter. Criteria: Invitae Variant Classification Sherloc (09022015). Collection method: clinical testing. Allele origin: germline.
Comment: This sequence change replaces proline, which is neutral and non-polar, with leucine, which is neutral and non-polar, at codon 1645 of the DICER1 protein (p.Pro1645Leu). This variant is not present in population databases (gnomAD no frequency). This variant has not been reported in the literature in individuals affected with DICER1-related conditions. An algorithm developed to predict the effect of missense changes on protein structure and function (PolyPhen-2) suggests that this variant is likely to be tolerated. In summary, the available evidence is currently insufficient to determine the role of this variant in disease. Therefore, it has been classified as a Variant of Uncertain Significance.

NM_177438.3(DICER1):c.4934C>T (p.Pro1645Leu)

Gene: DICER1 (dicer 1, ribonuclease III; minus strand). Cytogenetic location: 14q32.13.
Variant type: single nucleotide variant.
Coding change: c.4934C>T on transcript NM_177438.3 (MANE Select); coding-DNA position 4934, C replaced by T.
Protein change: p.Pro1645Leu; replaces proline 1645 with leucine.
Molecular consequence: missense variant. On other transcripts: non-coding transcript variant (6).
Genome position (GRCh38, 1-based): chr14:95,095,986, G>A on the plus strand (C>T on the coding strand, the complement: DICER1 is on the minus strand). VCF-style: chr14-95095986-G-A. GRCh37 (hg19) VCF-style: chr14-95562323-G-A.
Other names: c.4934C>T, p.Pro1645Leu (NM_001195573.1, NM_001271282.3, NM_001291628.2 and 12 more transcripts); c.4652C>T, p.Pro1551Leu (NM_001395686.1); c.4529C>T, p.Pro1510Leu (NM_001395687.1, NM_001395688.1, NM_001395689.1 and 2 more transcripts); c.4367C>T, p.Pro1456Leu (NM_001395691.1); c.3251C>T, p.Pro1084Leu (NM_001395697.1); short protein forms P1084L, P1456L, P1510L, P1551L, P1645L.
Identifiers: ClinVar variation 3645939 (VCV003645939.2).